The following is an entry in ClinVar:

ClinVar aggregate classification (germline): Uncertain significance (1 of 4 stars; one submission).

Conditions:
Hyperkalemic periodic paralysis. Also called: Familial hyperkalemic periodic paralysis; Gamstorp disease. Identifiers: Orphanet 682, MedGen C0238357, MONDO:0008224, OMIM 170500, HP:0007215.

gnomAD v4.1: 2 of 1,614,004 alleles (0.00012%); highest among the groups gnomAD compares: Non-Finnish European, 0.00017%; no homozygotes.

Submission:

Labcorp Genetics (formerly Invitae), Labcorp
Classification: Uncertain significance for Hyperkalemic periodic paralysis. Last evaluated: 2022-09-01. Review status: criteria provided, single submitter. Criteria: Invitae Variant Classification Sherloc (09022015). Collection method: clinical testing. Allele origin: germline.
Comment: This sequence change replaces asparagine, which is neutral and polar, with lysine, which is basic and polar, at codon 1376 of the SCN4A protein (p.Asn1376Lys). This variant is not present in population databases (gnomAD no frequency). This variant has not been reported in the literature in individuals affected with SCN4A-related conditions. Algorithms developed to predict the effect of missense changes on protein structure and function are either unavailable or do not agree on the potential impact of this missense change (SIFT: "Deleterious"; PolyPhen-2: "Benign"; Align-GVGD: "Class C15"). In summary, the available evidence is currently insufficient to determine the role of this variant in disease. Therefore, it has been classified as a Variant of Uncertain Significance.

NM_000334.4(SCN4A):c.4128C>A (p.Asn1376Lys)

Genes: GH-LCR (growth hormone locus control region; plus strand), SCN4A (sodium voltage-gated channel alpha subunit 4; minus strand). Cytogenetic location: 17q23.3.
Variant type: single nucleotide variant.
Coding change: c.4128C>A on transcript NM_000334.4 (MANE Select); coding-DNA position 4128, C replaced by A.
Protein change: p.Asn1376Lys; replaces asparagine 1376 with lysine.
Molecular consequence: missense variant.
Genome position (GRCh38, 1-based): chr17:63,942,986, G>T on the plus strand (C>A on the coding strand, the complement: SCN4A is on the minus strand). VCF-style: chr17-63942986-G-T. GRCh37 (hg19) VCF-style: chr17-62020346-G-T.
Other names: short protein forms N1376K.
Identifiers: ClinVar variation 2111639 (VCV002111639.4), dbSNP rs1567817005, ClinGen allele CA400616674.
Genomic context (GRCh38, chr17:63,942,986, plus strand): 5'-GAAGATGATGATGAAGATCATGTTGATGTTGTACAGGATGTCCACCTTGAGCTGGCTCTG[G>T]TTGTCTGTCTCCACCATCATGGTGACCATGTTGAGGCAGATGAGGATCATGATGGTGATG-3'
Protein context (NP_000325.4, residues 1366-1386): NMVTMMVETD[Asn1376Lys]QSQLKVDILY